The following is an entry in ClinVar:

NM_015272.5(RPGRIP1L):c.2293_2301del (p.His765_Gln767del)

Gene: RPGRIP1L (RPGRIP1 like; minus strand). Cytogenetic location: 16q12.2.
Variant type: Deletion.
Coding change: c.2293_2301del on transcript NM_015272.5 (MANE Select); coding-DNA positions 2293 to 2301, 9 bases deleted (CATATGCAG; older notation c.2293_2301delCATATGCAG).
Protein change: p.His765_Gln767del.
Molecular consequence: inframe deletion.
Genome position (GRCh38, 1-based): chr16:53,648,967-53,648,975, CTGCATATG deleted on the plus strand (CATATGCAG on the coding strand, the reverse complement: RPGRIP1L is on the minus strand); deleting any 9 consecutive bases within chr16:53,648,967-53,648,977 gives the same sequence; the c. name uses the placement nearest the transcript's 3' end. VCF-style (leftmost placement, unchanged base first): chr16-53648966-ACTGCATATG-A. GRCh37 (hg19) VCF-style: chr16-53682878-ACTGCATATG-A.
Other names: c.2293_2301del, p.His765_Gln767del (NM_001127897.4, NM_001308334.3, NM_001330538.2).
Identifiers: ClinVar variation 461757 (VCV000461757.9), dbSNP rs1555602657, ClinGen allele CA658658468.
Genomic context (GRCh38, chr16:53,648,966, plus strand): 5'-AAATAAATATTATAAAATTTCTATGTCATAAAAGGGTCTTAAAGCCAAATGAGCTTACCG[ACTGCATATG>A]CTCTGGCCCCTTAAAATTTGATGTTATATACCCCAAAGCCTTTGCCCTTTCTCGATAAAG-3'

ClinVar aggregate classification (germline): Uncertain significance (1 of 4 stars; one submission).

Conditions:
Meckel-Gruber syndrome. Also called: DYSENCEPHALIA SPLANCHNOCYSTICA; GRUBER SYNDROME; Dysencephalia splachnocystica. Identifiers: Orphanet 564, MedGen C0265215, MONDO:0018921.
Joubert syndrome. Also called: CEREBELLOPARENCHYMAL DISORDER IV; JOUBERT-BOLTSHAUSER SYNDROME; Familial aplasia of the vermis. Identifiers: Orphanet 475, MedGen C5979921, MONDO:0018772.

Submission:

Labcorp Genetics (formerly Invitae), Labcorp
Classification: Uncertain significance for Joubert syndrome; Meckel-Gruber syndrome. Last evaluated: 2017-03-21. Review status: criteria provided, single submitter. Criteria: Invitae Variant Classification Sherloc (09022015). Collection method: clinical testing. Allele origin: germline.
Comment: In summary, this is a novel in-frame deletion with uncertain impact on protein function. It has been classified as a Variant of Uncertain Significance. Experimental studies and prediction algorithms are not available for this variant, and the functional significance of the deleted amino acids is currently unknown. This variant is not present in population databases (ExAC no frequency) and has not been reported in the literature in individuals with a RPGRIP1L-related disease. This sequence change deletes 9 nucleotides from exon 16 of the RPGRIP1L mRNA (c.2293_2301del). This leads to the deletion of 3 amino acid residues in the RPGRIP1L protein (p.His765_Gln767del) but otherwise preserves the integrity of the reading frame.